The following is an entry in ClinVar:

ClinVar aggregate classification (germline): Pathogenic. Review status: criteria provided, multiple submitters, no conflicts (2 of 4 stars). 3 submissions from 3 submitters: Pathogenic (2). 1 of the submissions does not count toward it. Last evaluated 2023-08-04.

Conditions:
Aortic valve disease 2 (AOVD2). Identifiers: MedGen C3542024, MONDO:0013902, OMIM 614823.
Holt-Oram syndrome (HOS). Also called: TBX5-Related Holt-Oram Syndrome; Ventriculo-radial syndrome; Cardiac-limb syndrome; Heart-hand syndrome, type 1. Identifiers: Orphanet 392, MedGen C0265264, MONDO:0007732, OMIM 142900.

Submissions (3):

Labcorp Genetics (formerly Invitae), Labcorp
Classification: Pathogenic for Aortic valve disease 2. Last evaluated: 2023-08-04. Review status: criteria provided, single submitter. Criteria: Invitae Variant Classification Sherloc (09022015). Collection method: clinical testing. Allele origin: germline.
Comment: This premature translational stop signal has been observed in individual(s) with Holt-Oram syndrome (PMID: 8988164). It has also been observed to segregate with disease in related individuals. This sequence change creates a premature translational stop signal (p.Asn198Lysfs*11) in the TBX5 gene. It is expected to result in an absent or disrupted protein product. Loss-of-function variants in TBX5 are known to be pathogenic (PMID: 16183809, 16917909). This variant is not present in population databases (gnomAD no frequency). This variant is also known as 1249(insA). ClinVar contains an entry for this variant (Variation ID: 633726). For these reasons, this variant has been classified as Pathogenic.

Mendelics
Classification: Pathogenic for Holt-Oram syndrome. Last evaluated: 2019-05-28. Review status: criteria provided, single submitter. Criteria: Mendelics Assertion Criteria 2017. Collection method: clinical testing. Allele origin: unknown.

Centre de Biologie Pathologie Génétique, Centre Hospitalier Universitaire de Lille
Classification: Pathogenic for Holt-Oram syndrome. Last evaluated: 2018-06-14. Review status: no assertion criteria provided. Collection method: clinical testing. Allele origin: de novo, unknown. Affected: yes. Not counted in ClinVar's aggregate classification.

Literature cited by the submitters: PubMed 8988164 (cited by Labcorp Genetics (formerly Invitae), Labcorp); PubMed 16183809 (cited by Labcorp Genetics (formerly Invitae), Labcorp); PubMed 16917909 (cited by Labcorp Genetics (formerly Invitae), Labcorp).

NM_181486.4(TBX5):c.593dup (p.Asn198fs)

Gene: TBX5 (T-box transcription factor 5; minus strand). Cytogenetic location: 12q24.21.
Variant type: Duplication.
Coding change: c.593dup on transcript NM_181486.4 (MANE Select); coding-DNA position 593, one base duplicated (A; older notation c.593dupA).
Protein change: p.Asn198fs; shifts the reading frame from asparagine 198.
Molecular consequence: frameshift variant.
Genome position (GRCh38, 1-based): chr12:114,394,811, T duplicated on the plus strand (A on the coding strand, the reverse complement: TBX5 is on the minus strand); the first of 6 consecutive T bases (chr12:114,394,811-114,394,816); duplicating any one gives the same sequence. VCF-style (leftmost placement, unchanged base first): chr12-114394810-A-AT. GRCh37 (hg19) VCF-style: chr12-114832615-A-AT.
Other names: c.593dup, p.Asn198fs (NM_000192.3); c.443dup, p.Asn148fs (NM_080717.4); c.593dupA (NM_000192.3); short protein forms N148fs, N198fs.
Identifiers: ClinVar variation 633726 (VCV000633726.12), dbSNP rs1565939215, ClinGen allele CA913191197.